The following is an entry in ClinVar:

NM_015278.5(SASH1):c.862+26_862+30dup

Gene: SASH1 (SAM and SH3 domain containing 1; plus strand). Cytogenetic location: 6q25.1.
Variant type: Duplication.
Coding change: c.862+26_862+30dup on transcript NM_015278.5 (MANE Select); bases 26 to 30 of the intron after coding-DNA position 862, 5 bases duplicated (AAAAA; older notation c.862+26_862+30dupAAAAA).
Molecular consequence: intron variant.
Genome position (GRCh38, 1-based): chr6:148,514,482-148,514,486, AAAAA duplicated; duplicating any 5 consecutive bases within chr6:148,514,459-148,514,486 gives the same sequence; the c. name uses the placement nearest the transcript's 3' end. VCF-style (leftmost placement, unchanged base first): chr6-148514458-T-TAAAAA. GRCh37 (hg19) VCF-style: chr6-148835594-T-TAAAAA.
Other names: c.727+26_727+30dup (NM_001346505.2); c.490+26_490+30dup (NM_001346506.2); c.145+26_145+30dup (NM_001346508.2, NM_001346507.2); c.22+26_22+30dup (NM_001346509.2).
Identifiers: ClinVar variation 4894312 (VCV004894312.2).

ClinVar aggregate classification (germline): Likely benign. Review status: criteria provided, multiple submitters, no conflicts (2 of 4 stars). 2 submissions from 2 submitters: Likely benign (2). Last evaluated 2026-08-01.

Submissions (2):

CeGaT Center for Human Genetics Tuebingen
Classification: Likely benign. Last evaluated: 2026-08-01. Review status: criteria provided, single submitter. Criteria: CeGaT Center For Human Genetics Tuebingen Variant Classification Criteria Version 2. Collection method: clinical testing. Allele origin: germline. Affected: yes. Observed: 1 variant allele.
Comment: SASH1: BS2

Blueprint Genetics
Classification: Likely benign. Last evaluated: 2024-11-26. Review status: criteria provided, single submitter. Criteria: ACMG Guidelines, 2015. Collection method: clinical testing. Allele origin: germline.